The following is an entry in ClinVar:

ClinVar aggregate classification (germline): Likely pathogenic. Review status: criteria provided, multiple submitters, no conflicts (2 of 4 stars). 2 submissions from 2 submitters: Likely pathogenic (2). Last evaluated 2024-06-20.

Conditions:
Joubert syndrome and related disorders. Identifiers: Orphanet 140874, MedGen C5679612, MONDO:0015369.
Joubert syndrome 13 (JBTS13). Identifiers: Orphanet 475, MedGen C3280031, MONDO:0013608, OMIM 614173.

Submissions (2):

Fulgent Genetics
Classification: Likely pathogenic for Joubert syndrome 13. Last evaluated: 2024-06-20. Review status: criteria provided, single submitter. Criteria: ACMG Guidelines, 2015. Collection method: clinical testing. Allele origin: germline.

Women's Health and Genetics/Laboratory Corporation of America, LabCorp
Classification: Likely pathogenic for Joubert syndrome and related disorders. Last evaluated: 2024-06-19. Review status: criteria provided, single submitter. Criteria: LabCorp Variant Classification Summary - May 2015. Collection method: clinical testing. Allele origin: germline.
Comment: Variant summary: TCTN1 c.342-8A>G alters a non-conserved nucleotide located close to a canonical splice site and therefore could affect mRNA splicing, leading to a significantly altered protein sequence. Several computational tools predict a significant impact on normal splicing: Two predict the variant abolishes a 3' acceptor site. One predict the variant weakens a 3' acceptor site. Four predict the variant creates a 3' acceptor site. At least one publication reports experimental evidence that this variant affects mRNA splicing due to an insertion of 7 nucleotides from intron 2, resulting in a frameshift and premature termination codon (Wang_2019). The variant was absent in 162340 control chromosomes. c.342-8A>G has been reported in the literature in compound heterozygous individuals affected with Joubert Syndrome And Related Disorders (Wang_2019). These data indicate that the variant may be associated with disease. The following publication have been ascertained in the context of this evaluation (PMID: 31302911). No submitters have cited clinical-significance assessments for this variant to ClinVar. Based on the evidence outlined above, the variant was classified as likely pathogenic.

Literature cited by the submitters: PubMed 31302911 (cited by Women's Health and Genetics/Laboratory Corporation of America, LabCorp).

NM_001082538.3(TCTN1):c.342-8A>G

Gene: TCTN1 (tectonic family member 1; plus strand). Cytogenetic location: 12q24.11.
Variant type: single nucleotide variant.
Coding change: c.342-8A>G on transcript NM_001082538.3 (MANE Select); 8 bases into the intron before coding-DNA position 342, A replaced by G.
Molecular consequence: intron variant.
Genome position (GRCh38, 1-based): chr12:110,626,354, A>G. VCF-style: chr12-110626354-A-G. GRCh37 (hg19) VCF-style: chr12-111064159-A-G.
Other names: c.174-8A>G (NM_001173975.3, NM_001319682.3); c.162-8A>G (NM_001173976.2); c.-366-8A>G (NM_001319681.2); c.342-8A>G (NM_024549.6, NM_001082537.3, NM_001319680.2).
Identifiers: ClinVar variation 3339968 (VCV003339968.2).